The following is an entry in ClinVar:

NM_006941.4(SOX10):c.1252G>A (p.Ala418Thr)

Genes: POLR2F (RNA polymerase II, I and III subunit F; plus strand), SOX10 (SRY-box transcription factor 10; minus strand). Cytogenetic location: 22q13.1.
Variant type: single nucleotide variant.
Coding change: c.1252G>A on transcript NM_006941.4 (MANE Select); coding-DNA position 1252, G replaced by A.
Protein change: p.Ala418Thr; replaces alanine 418 with threonine.
Molecular consequence: missense variant. On other transcripts: intron variant (3).
Genome position (GRCh38, 1-based): chr22:37,973,644, C>T on the plus strand (G>A on the coding strand, the complement: SOX10 is on the minus strand). VCF-style: chr22-37973644-C-T. GRCh37 (hg19) VCF-style: chr22-38369651-C-T.
Other names: c.*38+1334C>T (NM_001363825.1); c.293+6474C>T (NM_001301130.2, NM_001301131.2); short protein forms A418T.
Identifiers: ClinVar variation 2637724 (VCV002637724.5), dbSNP rs370951969, ClinGen allele CA10228506.

ClinVar aggregate classification (germline): Conflicting classifications of pathogenicity. Review status: criteria provided, conflicting classifications (1 of 4 stars). 3 submissions from 3 submitters: Uncertain significance (2); Likely benign (1). Last evaluated 2024-09-23.

Allele frequency attached by ClinVar (database versions not stated): ExAC 0.00001; gnomAD 0.00001; TOPMed 0.00002; ESP Exome Variant Server 0.00008; gnomAD exomes 0.00001.
gnomAD v4.1: 16 of 1,613,626 alleles (0.00099%); highest among the groups gnomAD compares: Non-Finnish European, 0.0014%; no homozygotes.

Submissions (3):

Labcorp Genetics (formerly Invitae), Labcorp
Classification: Uncertain significance. Last evaluated: 2024-09-23. Review status: criteria provided, single submitter. Criteria: Invitae Variant Classification Sherloc (09022015). Collection method: clinical testing. Allele origin: germline.
Comment: This sequence change replaces alanine, which is neutral and non-polar, with threonine, which is neutral and polar, at codon 418 of the SOX10 protein (p.Ala418Thr). This variant is present in population databases (rs370951969, gnomAD 0.002%). This variant has not been reported in the literature in individuals affected with SOX10-related conditions. ClinVar contains an entry for this variant (Variation ID: 2637724). Invitae Evidence Modeling of protein sequence and biophysical properties (such as structural, functional, and spatial information, amino acid conservation, physicochemical variation, residue mobility, and thermodynamic stability) indicates that this missense variant is not expected to disrupt SOX10 protein function with a negative predictive value of 80%. In summary, the available evidence is currently insufficient to determine the role of this variant in disease. Therefore, it has been classified as a Variant of Uncertain Significance.

Women's Health and Genetics/Laboratory Corporation of America, LabCorp
Classification: Uncertain significance. Last evaluated: 2024-06-03. Review status: criteria provided, single submitter. Criteria: LabCorp Variant Classification Summary - May 2015. Collection method: clinical testing. Allele origin: germline.
Comment: Variant summary: SOX10 c.1252G>A (p.Ala418Thr) results in a non-conservative amino acid change in the encoded protein sequence. Three of five in-silico tools predict a benign effect of the variant on protein function. The variant allele was found at a frequency of 9.9e-06 in 1613626 control chromosomes (gnomAD database v4.0.0). This frequency is not significantly higher than estimated for a pathogenic variant in SOX10 causing Waardenburg Syndrome Type 2E, allowing no conclusion about variant significance. To our knowledge, no occurrence of c.1252G>A in individuals affected with Waardenburg Syndrome Type 2E and no experimental evidence demonstrating its impact on protein function have been reported. ClinVar contains an entry for this variant (Variation ID: 2637724). Based on the evidence outlined above, the variant was classified as uncertain significance.

Blueprint Genetics
Classification: Likely benign. Last evaluated: 2021-03-12. Review status: criteria provided, single submitter. Criteria: ACMG Guidelines, 2015. Collection method: clinical testing. Allele origin: germline.